The following is an entry in ClinVar:

NM_000015.3(NAT2):c.590G>A (p.Arg197Gln)

Gene: NAT2 (N-acetyltransferase 2; plus strand). Cytogenetic location: 8p22.
Variant type: single nucleotide variant.
Coding change: c.590G>A on transcript NM_000015.3 (MANE Select); coding-DNA position 590, G replaced by A.
Protein change: p.Arg197Gln; replaces arginine 197 with glutamine.
Molecular consequence: missense variant.
Genome position (GRCh38, 1-based): chr8:18,400,593, G>A. VCF-style: chr8-18400593-G-A. GRCh37 (hg19) VCF-style: chr8-18258103-G-A.
Other names: c.590G>A (NM_000015.2); short protein forms R197Q.
Identifiers: ClinVar variation 722 (VCV000000722.5), dbSNP rs1799930, ClinGen allele CA114447.

ClinVar aggregate classification (germline): Benign; drug response. Review status: no assertion criteria provided (0 of 4 stars). 2 submissions from 2 submitters: Benign (1). Last evaluated 2023-03-29.

Conditions:
NAT2-related disorder. Also called: NAT2-related condition.
Slow acetylator due to N-acetyltransferase enzyme variant. Also called: INH INACTIVATION, SLOW; ISONIAZID INACTIVATION, SLOW; SLOW ACETYLATOR PHENOTYPE; Acetylation, slow. Identifiers: MedGen C0878587, MONDO:0009472, OMIM 243400.

Allele frequency attached by ClinVar (database versions not stated): 1000 Genomes Project 30x 0.26015; TOPMed 0.26428; 1000 Genomes Project 0.26498; gnomAD 0.26979; gnomAD exomes 0.27285; ExAC 0.27727.
gnomAD v4.1: 464,073 of 1,612,574 alleles (29%); highest among the groups gnomAD compares: South Asian, 36%; 68,230 homozygotes.

Submissions (2):

PreventionGenetics, part of Exact Sciences
Classification: Benign for NAT2-related condition. Last evaluated: 2023-03-29. Review status: no assertion criteria provided. Collection method: clinical testing. Allele origin: germline.
Comment: This variant is classified as benign based on ACMG/AMP sequence variant interpretation guidelines (Richards et al. 2015 PMID: 25741868, with internal and published modifications).

OMIM
Classification: drug response for ACETYLATION, SLOW. Last evaluated: 2012-10-28. Review status: no assertion criteria provided. Collection method: literature only. Allele origin: germline.

Literature cited by the submitters: PubMed 2068113 (cited by OMIM); PubMed 18043717 (cited by OMIM).